The following is an entry in ClinVar:

ClinVar aggregate classification (germline): Uncertain significance (1 of 4 stars; one submission).

Allele frequency attached by ClinVar (database versions not stated): gnomAD exomes below 0.00001.
gnomAD v4.1: 2 of 1,614,176 alleles (0.00012%); highest among the groups gnomAD compares: Middle Eastern, 0.016%; no homozygotes.

Submission:

Labcorp Genetics (formerly Invitae), Labcorp
Classification: Uncertain significance. Last evaluated: 2023-11-04. Review status: criteria provided, single submitter. Criteria: Invitae Variant Classification Sherloc (09022015). Collection method: clinical testing. Allele origin: germline.
Comment: This sequence change replaces serine, which is neutral and polar, with phenylalanine, which is neutral and non-polar, at codon 1758 of the SRCAP protein (p.Ser1758Phe). This variant is not present in population databases (gnomAD no frequency). This variant has not been reported in the literature in individuals affected with SRCAP-related conditions. Advanced modeling of protein sequence and biophysical properties (such as structural, functional, and spatial information, amino acid conservation, physicochemical variation, residue mobility, and thermodynamic stability) performed at Invitae indicates that this missense variant is not expected to disrupt SRCAP protein function with a negative predictive value of 80%. In summary, the available evidence is currently insufficient to determine the role of this variant in disease. Therefore, it has been classified as a Variant of Uncertain Significance.

NM_006662.3(SRCAP):c.5273C>T (p.Ser1758Phe)

Gene: SRCAP (Snf2 related CREBBP activator protein; plus strand). Cytogenetic location: 16p11.2.
Variant type: single nucleotide variant.
Coding change: c.5273C>T on transcript NM_006662.3 (MANE Select); coding-DNA position 5273, C replaced by T.
Protein change: p.Ser1758Phe; replaces serine 1758 with phenylalanine.
Molecular consequence: missense variant.
Genome position (GRCh38, 1-based): chr16:30,724,697, C>T. VCF-style: chr16-30724697-C-T. GRCh37 (hg19) VCF-style: chr16-30736018-C-T.
Other names: short protein forms S1758F.
Identifiers: ClinVar variation 2974237 (VCV002974237.3), dbSNP rs2506682261, ClinGen allele CA395617979.
Genomic context (GRCh38, chr16:30,724,697, plus strand): 5'-CACCACTGGGTCCAACTCAGACGCTGTCTCTGGCTCCAGCACCCCCTCTGGCTCCAGCTT[C>T]TCCAGTGGGCCCAGCCCCAGCTCACACGCTGACTTTGGCTCCAGCATCGTCATCTGCTTC-3'
Protein context (NP_006653.2, residues 1748-1768): LAPAPPLAPA[Ser1758Phe]PVGPAPAHTL